The following is an entry in ClinVar:

NM_002113.3(CFHR1):c.412C>T (p.Pro138Ser)

Gene: CFHR1 (complement factor H related 1; plus strand). Cytogenetic location: 1q31.3.
Variant type: single nucleotide variant.
Coding change: c.412C>T on transcript NM_002113.3 (MANE Select); coding-DNA position 412, C replaced by T.
Protein change: p.Pro138Ser; replaces proline 138 with serine.
Molecular consequence: missense variant. On other transcripts: intron variant (1).
Genome position (GRCh38, 1-based): chr1:196,826,987, C>T. VCF-style: chr1-196826987-C-T. GRCh37 (hg19) VCF-style: chr1-196796117-C-T.
Other names: c.169C>T, p.Pro57Ser (NM_001379312.1); c.254-1110C>T (NM_001379311.1); c.361C>T, p.Pro121Ser (NM_001379306.1); c.250C>T, p.Pro84Ser (NM_001379307.1); c.247C>T, p.Pro83Ser (NM_001379308.1); c.244C>T, p.Pro82Ser (NM_001379309.1); c.217C>T, p.Pro73Ser (NM_001379310.1); short protein forms P121S, P138S, P57S, P73S, P82S, P83S, P84S.
Identifiers: ClinVar variation 4857336 (VCV004857336.1).

ClinVar aggregate classification (germline): VUS-mid (1 of 4 stars; one submission).

Conditions:
Hemolytic uremic syndrome, atypical, susceptibility to, 1. Also called: AHUS, SUSCEPTIBILITY TO, 1. Identifiers: Orphanet 2134, Orphanet 90038, MedGen C2749604, MONDO:0009335, OMIM 235400. Disease mechanism: Other.

gnomAD v4.1: 2 of 1,522,634 alleles (0.00013%); highest among the groups gnomAD compares: Non-Finnish European, 0.000089%; no homozygotes.

Submission:

Clinical Research Development Center, Iran University of Medical Sciences (IUMS)
Classification: VUS-mid for Hemolytic uremic syndrome, atypical, susceptibility to, 1. Last evaluated: 2026-06-28. Review status: criteria provided, single submitter. Criteria: ACMG Guidelines, 2015. Collection method: clinical testing. Allele origin: germline. Affected: yes.
Comment: The c.412C>T variant in CFHR1 gene was absent from large population studies (PM2). Computational prediction tools like SIFT, PolyPhen, MutationTaster, and PHRED score support a deleterious effect of this variation (PP3).

Literature cited by the submitters: PubMed 35730179.